The following is an entry in ClinVar:

NM_002185.5(IL7R):c.104T>A (p.Leu35Gln)

Gene: IL7R (interleukin 7 receptor; plus strand). Cytogenetic location: 5p13.2.
Variant type: single nucleotide variant.
Coding change: c.104T>A on transcript NM_002185.5 (MANE Select); coding-DNA position 104, T replaced by A.
Protein change: p.Leu35Gln; replaces leucine 35 with glutamine.
Molecular consequence: missense variant. On other transcripts: non-coding transcript variant (1).
Genome position (GRCh38, 1-based): chr5:35,860,873, T>A. VCF-style: chr5-35860873-T-A. GRCh37 (hg19) VCF-style: chr5-35860975-T-A.
Other names: short protein forms L35Q.
Identifiers: ClinVar variation 1394960 (VCV001394960.8), dbSNP rs35967524, ClinGen allele CA3231847.

ClinVar aggregate classification (germline): Uncertain significance (1 of 4 stars; one submission).

Conditions:
Immunodeficiency 104. Also called: Severe combined immunodeficiency, autosomal recessive, T cell-negative, B cell-positive, NK cell-positive; Severe Combined Immune Deficiency, Autosomal Recessive, TCell -Negative, B Cell-Positive, NK Cell-Positive, IL7R-Related; SCID, AUTOSOMAL RECESSIVE, T CELL-NEGATIVE, B CELL-POSITIVE, NK CELL-POSITIVE; IMMUNODEFICIENCY 104, SEVERE COMBINED. Identifiers: MedGen C5676890, MONDO:0012163, OMIM 608971.

Allele frequency attached by ClinVar (database versions not stated): gnomAD 0.00007; TOPMed 0.00009; ExAC 0.00010.
gnomAD v4.1: 222 of 1,613,554 alleles (0.014%); highest among the groups gnomAD compares: Non-Finnish European, 0.018%; no homozygotes.

Submission:

Labcorp Genetics (formerly Invitae), Labcorp
Classification: Uncertain significance for Immunodeficiency 104. Last evaluated: 2022-06-13. Review status: criteria provided, single submitter. Criteria: Invitae Variant Classification Sherloc (09022015). Collection method: clinical testing. Allele origin: germline.
Comment: This sequence change replaces leucine, which is neutral and non-polar, with glutamine, which is neutral and polar, at codon 35 of the IL7R protein (p.Leu35Gln). This variant is present in population databases (rs35967524, gnomAD 0.02%). This missense change has been observed in individual(s) with severe combined immunodeficiency (PMID: 18641513). Advanced modeling of protein sequence and biophysical properties (such as structural, functional, and spatial information, amino acid conservation, physicochemical variation, residue mobility, and thermodynamic stability) performed at Invitae indicates that this missense variant is not expected to disrupt IL7R protein function. In summary, the available evidence is currently insufficient to determine the role of this variant in disease. Therefore, it has been classified as a Variant of Uncertain Significance.

Literature cited by the submitters: PubMed 18641513.